The following is an entry in ClinVar:

ClinVar aggregate classification (germline): Uncertain significance (1 of 4 stars; one submission).

Conditions:
Autosomal recessive limb-girdle muscular dystrophy type 2J (LGMDR10). Also called: Limb-girdle muscular dystrophy, type 2J; MUSCULAR DYSTROPHY, LIMB-GIRDLE, AUTOSOMAL RECESSIVE 10. Identifiers: Orphanet 140922, MedGen C1837342, MONDO:0012127, OMIM 608807.
Dilated cardiomyopathy 1G (CMD1G). Identifiers: Orphanet 154, MedGen C1858763, MONDO:0011400, OMIM 604145.

gnomAD v4.1: 1 of 1,613,968 alleles (0.000062%); highest among the groups gnomAD compares: African/African-American, 0.0013%; no homozygotes.

Submission:

Labcorp Genetics (formerly Invitae), Labcorp
Classification: Uncertain significance for Dilated cardiomyopathy 1G; Autosomal recessive limb-girdle muscular dystrophy type 2J. Last evaluated: 2025-12-04. Review status: criteria provided, single submitter. Criteria: Invitae Variant Classification Sherloc (09022015). Collection method: clinical testing. Allele origin: germline.
Comment: This sequence change replaces valine, which is neutral and non-polar, with leucine, which is neutral and non-polar, at codon 35168 of the TTN protein (p.Val35168Leu). This variant is not present in population databases (gnomAD no frequency). This variant has not been reported in the literature in individuals affected with TTN-related conditions. Experimental studies and prediction algorithms are not available or were not evaluated, and the functional significance of this variant is currently unknown. In summary, the available evidence is currently insufficient to determine the role of this variant in disease. Therefore, it has been classified as a Variant of Uncertain Significance.

NM_001267550.2(TTN):c.105502G>C (p.Val35168Leu)

Genes: TTN (titin; minus strand), TTN-AS1 (TTN antisense RNA 1; plus strand), LOC129935184 (ATAC-STARR-seq lymphoblastoid active region 16809; plus strand). Cytogenetic location: 2q31.2.
Variant type: single nucleotide variant.
Coding change: c.105502G>C on transcript NM_001267550.2 (MANE Select); coding-DNA position 105502, G replaced by C.
Protein change: p.Val35168Leu; replaces valine 35168 with leucine.
Molecular consequence: missense variant.
Genome position (GRCh38, 1-based): chr2:178,531,113, C>G on the plus strand (G>C on the coding strand, the complement: TTN is on the minus strand). VCF-style: chr2-178531113-C-G. GRCh37 (hg19) VCF-style: chr2-179395840-C-G.
Other names: c.100579G>C, p.Val33527Leu (NM_001256850.1); c.78307G>C, p.Val26103Leu (NM_003319.4); c.97798G>C, p.Val32600Leu (NM_133378.4); c.78682G>C, p.Val26228Leu (NM_133432.3); c.78883G>C, p.Val26295Leu (NM_133437.4); short protein forms V33527L, V35168L, V26228L, V26295L, V32600L, V26103L.
Identifiers: ClinVar variation 4790509 (VCV004790509.1).